The following is an entry in ClinVar:

NM_002016.2(FLG):c.9743G>T (p.Arg3248Met)

Genes: CCDST (cervical cancer associated DHX9 suppressive transcript; plus strand), FLG (filaggrin; minus strand). Cytogenetic location: 1q21.3.
Variant type: single nucleotide variant.
Coding change: c.9743G>T on transcript NM_002016.2 (MANE Select); coding-DNA position 9743, G replaced by T.
Protein change: p.Arg3248Met; replaces arginine 3248 with methionine.
Molecular consequence: missense variant.
Genome position (GRCh38, 1-based): chr1:152,305,143, C>A on the plus strand (G>T on the coding strand, the complement: FLG is on the minus strand). VCF-style: chr1-152305143-C-A. GRCh37 (hg19) VCF-style: chr1-152277619-C-A.
Other names: short protein forms R3248M.
Identifiers: ClinVar variation 3376304 (VCV003376304.1).

ClinVar aggregate classification (germline): Uncertain significance (1 of 4 stars; one submission).

Conditions:
Ichthyosis vulgaris. Also called: Dominant ichthyosis vulgaris; ICHTHYOSIS SIMPLEX. Identifiers: MedGen C0079584, MONDO:0024304, OMIM 146700.

gnomAD v4.1: 1 of 1,613,928 alleles (0.000062%); highest among the groups gnomAD compares: Non-Finnish European, 0.000085%; no homozygotes.

Submission:

Pittsburgh Clinical Genomics Laboratory, University of Pittsburgh Medical Center
Classification: Uncertain significance for Ichthyosis vulgaris. Last evaluated: 2024-04-09. Review status: criteria provided, single submitter. Criteria: ACMG Guidelines, 2015. Collection method: clinical testing. Allele origin: germline. Inheritance: Autosomal unknown. Affected: yes.
Comment: This sequence variant is a single nucleotide substitution (G>T) at position 9743 of the coding sequence of the FLG gene that results in an arginine to methionine amino acid change at residue 3248 of the filaggrin protein. This novel variant is absent from ClinVar, the published literature, and the gnomAD population database (0 of 282,826 alleles). Multiple bioinformatic tools predict that this amino acid change would be damaging, and the Arg3248 residue at this position is moderately conserved across the vertebrate species examined. Studies examining the functiol consequence of this variant have not been published, to our knowledge. At this time, there is insufficient evidence to determine if this variant is pathogenic or benign. Therefore, we consider this a variant of uncertain significance. ACMG Criteria: BP1, PM2, PP3